The following is an entry in ClinVar:

ClinVar aggregate classification (germline): Uncertain significance (1 of 4 stars; one submission).

Allele frequency attached by ClinVar (database versions not stated): gnomAD 0.00001; gnomAD exomes 0.00001 and 0.00002; TOPMed 0.00001; ExAC 0.00002.
gnomAD v4.1: 14 of 1,614,002 alleles (0.00087%); highest among the groups gnomAD compares: Middle Eastern, 0.016%; no homozygotes.

Submission:

Labcorp Genetics (formerly Invitae), Labcorp
Classification: Uncertain significance. Last evaluated: 2021-12-06. Review status: criteria provided, single submitter. Criteria: Invitae Variant Classification Sherloc (09022015). Collection method: clinical testing. Allele origin: germline.
Comment: In summary, the available evidence is currently insufficient to determine the role of this variant in disease. Therefore, it has been classified as a Variant of Uncertain Significance. Algorithms developed to predict the effect of missense changes on protein structure and function output the following: SIFT: "Deleterious"; PolyPhen-2: "Benign"; Align-GVGD: "Class C0". The methionine amino acid residue is found in multiple mammalian species, which suggests that this missense change does not adversely affect protein function. This variant has not been reported in the literature in individuals affected with MYO5B-related conditions. This variant is present in population databases (rs773812634, gnomAD 0.003%). This sequence change replaces valine, which is neutral and non-polar, with methionine, which is neutral and non-polar, at codon 1223 of the MYO5B protein (p.Val1223Met).

NM_001080467.3(MYO5B):c.3667G>A (p.Val1223Met)

Gene: MYO5B (myosin VB; minus strand). Cytogenetic location: 18q21.1.
Variant type: single nucleotide variant.
Coding change: c.3667G>A on transcript NM_001080467.3 (MANE Select); coding-DNA position 3667, G replaced by A.
Protein change: p.Val1223Met; replaces valine 1223 with methionine.
Molecular consequence: missense variant.
Genome position (GRCh38, 1-based): chr18:49,864,317, C>T on the plus strand (G>A on the coding strand, the complement: MYO5B is on the minus strand). VCF-style: chr18-49864317-C-T. GRCh37 (hg19) VCF-style: chr18-47390687-C-T.
Other names: short protein forms V1223M.
Identifiers: ClinVar variation 1380436 (VCV001380436.6), dbSNP rs773812634, ClinGen allele CA8960624.